The following is an entry in ClinVar:

NM_139017.7(IL31RA):c.819G>A (p.Ala273=)

Gene: IL31RA (interleukin 31 receptor A; plus strand). Cytogenetic location: 5q11.2.
Variant type: single nucleotide variant.
Coding change: c.819G>A on transcript NM_139017.7 (MANE Select); coding-DNA position 819, G replaced by A.
Protein change: p.Ala273=; no amino-acid change (alanine 273 retained).
Molecular consequence: synonymous variant.
Genome position (GRCh38, 1-based): chr5:55,896,396, G>A. VCF-style: chr5-55896396-G-A. GRCh37 (hg19) VCF-style: chr5-55192224-G-A.
Other names: c.762G>A, p.Ala254= (NM_001242636.2, NM_001242638.2); c.819G>A, p.Ala273= (NM_001242637.2, NM_001297570.3); c.393G>A, p.Ala131= (NM_001242639.2).
Identifiers: ClinVar variation 2655466 (VCV002655466.24), dbSNP rs141877896, ClinGen allele CA3270607.
Genomic context (GRCh38, chr5:55,896,396, plus strand): 5'-CTTGTTCCTTACAGCTCCATGTGGCCTGGAACTGTGGAGAGTCCTGAAACCAGCTGAGGC[G>A]GATGGAAGAAGGCCAGTGCGGTTGTTATGGAAGGTGACCTCCCTCTGGATTCTTTTTCTC-3'
Protein context (NP_620586.3, residues 263-283): ELWRVLKPAE[Ala273=]DGRRPVRLLW

ClinVar aggregate classification (germline): Likely benign (1 of 4 stars; one submission).

Allele frequency attached by ClinVar (database versions not stated): TOPMed 0.00016; gnomAD exomes 0.00020; ESP Exome Variant Server 0.00023; gnomAD 0.00027; ExAC 0.00033.
gnomAD v4.1: 339 of 1,613,692 alleles (0.021%); highest among the groups gnomAD compares: Middle Eastern, 0.033%; no homozygotes.

Submission:

CeGaT Center for Human Genetics Tuebingen
Classification: Likely benign. Last evaluated: 2024-07-01. Review status: criteria provided, single submitter. Criteria: CeGaT Center For Human Genetics Tuebingen Variant Classification Criteria Version 2. Collection method: clinical testing. Allele origin: germline. Affected: yes. Observed: 1 variant allele.
Comment: IL31RA: BP4, BP7